The following is an entry in ClinVar:

NM_001282933.2(ZNF341):c.1963T>C (p.Ser655Pro)

Genes: ZNF341 (zinc finger protein 341; plus strand), ZNF341-AS1 (ZNF341 antisense RNA 1; minus strand). Cytogenetic location: 20q11.22.
Variant type: single nucleotide variant.
Coding change: c.1963T>C on transcript NM_001282933.2 (MANE Select); coding-DNA position 1963, T replaced by C.
Protein change: p.Ser655Pro; replaces serine 655 with proline.
Molecular consequence: missense variant. On other transcripts: non-coding transcript variant (1).
Genome position (GRCh38, 1-based): chr20:33,788,973, T>C. VCF-style: chr20-33788973-T-C. GRCh37 (hg19) VCF-style: chr20-32376779-T-C.
Other names: c.1693T>C, p.Ser565Pro (NM_001282935.2); c.1942T>C, p.Ser648Pro (NM_032819.5); short protein forms S648P, S655P, S565P.
Identifiers: ClinVar variation 2012590 (VCV002012590.4), dbSNP rs2515509810, ClinGen allele CA408640891.

ClinVar aggregate classification (germline): Uncertain significance (1 of 4 stars; one submission).

Submission:

Labcorp Genetics (formerly Invitae), Labcorp
Classification: Uncertain significance. Last evaluated: 2022-10-05. Review status: criteria provided, single submitter. Criteria: Invitae Variant Classification Sherloc (09022015). Collection method: clinical testing. Allele origin: germline.
Comment: This sequence change replaces serine, which is neutral and polar, with proline, which is neutral and non-polar, at codon 648 of the ZNF341 protein (p.Ser648Pro). This variant is not present in population databases (gnomAD no frequency). This variant has not been reported in the literature in individuals affected with ZNF341-related conditions. Algorithms developed to predict the effect of missense changes on protein structure and function (SIFT, PolyPhen-2, Align-GVGD) all suggest that this variant is likely to be tolerated. In summary, the available evidence is currently insufficient to determine the role of this variant in disease. Therefore, it has been classified as a Variant of Uncertain Significance.